The following is an entry in ClinVar:

ClinVar aggregate classification (germline): Pathogenic (1 of 4 stars; one submission).

Conditions:
Fabry disease. Also called: ALPHA-GALACTOSIDASE A DEFICIENCY; ANDERSON-FABRY DISEASE; CERAMIDE TRIHEXOSIDASE DEFICIENCY; GLA DEFICIENCY; HEREDITARY DYSTOPIC LIPIDOSIS; Angiokeratoma corporis diffusum. Identifiers: Orphanet 324, MedGen C0002986, MONDO:0010526, OMIM 301500, HP:0001071. Disease mechanism: Fabry disease is due to inactivating mutations in the X-linked GLA gene resulting in deficiency of the enzyme Alpha Galactosidase-A., loss of function.

Submission:

Genomenon, Inc
Classification: Pathogenic for Fabry disease. Last evaluated: 2026-09-08. Review status: criteria provided, single submitter. Criteria: Genomenon Sequence Variant Interpretation Standards - Updated. Collection method: curation. Allele origin: germline. Affected: yes.
Comment: GLA p.Lys185SerfsTer7 (c.554del) is a frameshift variant that is predicted to introduce a premature termination codon and result in a truncated or absent protein product. This variant has been observed in at least one proband with clinical features consistent with Fabry disease (PMID:33527381). Functional or patient cell studies have been reported (PMID:33527381). It is absent or not present at a significant frequency in gnomAD. In conclusion, we classify GLA p.Lys185SerfsTer7 (c.554del) as a pathogenic variant.

Literature cited by the submitters: PubMed 33527381.

NM_000169.3(GLA):c.554del (p.Lys185fs)

Genes: GLA (galactosidase alpha; minus strand), RPL36A-HNRNPH2 (RPL36A-HNRNPH2 readthrough; plus strand). Cytogenetic location: Xq22.1.
Variant type: Deletion.
Coding change: c.554del on transcript NM_000169.3 (MANE Select); coding-DNA position 554, one base deleted (A; older notation c.554delA).
Protein change: p.Lys185fs; shifts the reading frame from lysine 185.
Molecular consequence: frameshift variant. On other transcripts: non-coding transcript variant (2), intron variant (2).
Genome position (GRCh38, 1-based): chrX:101,400,751, T deleted on the plus strand (A on the coding strand, the reverse complement: GLA is on the minus strand); the first of 2 consecutive T bases (chrX:101,400,751-101,400,752); deleting either gives the same sequence. VCF-style (leftmost placement, unchanged base first): chrX-101400750-CT-C. GRCh37 (hg19) VCF-style: chrX-100655738-CT-C.
Other names: c.677del, p.Lys226fs (NM_001406747.1); c.554del, p.Lys185fs (NM_001406748.1); c.300+5295del (NM_001199973.2); c.177+8930del (NM_001199974.2); short protein forms K185fs, K226fs.
Identifiers: ClinVar variation 4086974 (VCV004086974.2).